The following is an entry in ClinVar:

NM_001370466.1(NOD2):c.1497C>G (p.Thr499=)

Gene: NOD2 (nucleotide binding oligomerization domain containing 2; plus strand). Cytogenetic location: 16q12.1.
Variant type: single nucleotide variant.
Coding change: c.1497C>G on transcript NM_001370466.1 (MANE Select); coding-DNA position 1497, C replaced by G.
Protein change: p.Thr499=; no amino-acid change (threonine 499 retained).
Molecular consequence: synonymous variant. On other transcripts: non-coding transcript variant (1).
Genome position (GRCh38, 1-based): chr16:50,711,489, C>G. VCF-style: chr16-50711489-C-G. GRCh37 (hg19) VCF-style: chr16-50745400-C-G.
Other names: c.1497C>G, p.Thr499= (NM_001293557.2); c.1578C>G, p.Thr526= (NM_022162.3).
Identifiers: ClinVar variation 462697 (VCV000462697.26), dbSNP rs779950802, ClinGen allele CA8051577.

ClinVar aggregate classification (germline): Likely benign. Review status: criteria provided, multiple submitters, no conflicts (2 of 4 stars). 2 submissions from 2 submitters: Likely benign (2). Last evaluated 2024-09-01.

Conditions:
Blau syndrome (BLAUS). Also called: JABS SYNDROME; GRANULOMATOSIS, FAMILIAL JUVENILE SYSTEMIC; GRANULOMATOSIS, FAMILIAL, BLAU TYPE; GRANULOMATOUS INFLAMMATORY ARTHRITIS, DERMATITIS, AND UVEITIS, FAMILIAL; ARTHROCUTANEOUVEAL GRANULOMATOSIS. Identifiers: Orphanet 90340, MedGen C5201146, MONDO:0008523, OMIM 186580.
Regional enteritis. Also called: Enteritis, Granulomatous. Identifiers: MedGen C0678202, MeSH D003424.

Allele frequency attached by ClinVar (database versions not stated): gnomAD 0.00001.
gnomAD v4.1: 15 of 1,613,140 alleles (0.00093%); highest among the groups gnomAD compares: Middle Eastern, 0.033%; no homozygotes.

Submissions (2):

CeGaT Center for Human Genetics Tuebingen
Classification: Likely benign. Last evaluated: 2024-09-01. Review status: criteria provided, single submitter. Criteria: CeGaT Center For Human Genetics Tuebingen Variant Classification Criteria Version 2. Collection method: clinical testing. Allele origin: germline. Affected: yes. Observed: 1 variant allele.
Comment: NOD2: BP4, BP7

Labcorp Genetics (formerly Invitae), Labcorp
Classification: Likely benign for Regional enteritis; Blau syndrome. Last evaluated: 2022-10-28. Review status: criteria provided, single submitter. Criteria: Invitae Variant Classification Sherloc (09022015). Collection method: clinical testing. Allele origin: germline.